The following is an entry in ClinVar:

NM_000142.5(FGFR3):c.669C>T (p.Arg223=)

Gene: FGFR3 (fibroblast growth factor receptor 3; plus strand). Cytogenetic location: 4p16.3.
Variant type: single nucleotide variant.
Coding change: c.669C>T on transcript NM_000142.5 (MANE Select); coding-DNA position 669, C replaced by T.
Protein change: p.Arg223=; no amino-acid change (arginine 223 retained).
Molecular consequence: synonymous variant. On other transcripts: non-coding transcript variant (1).
Genome position (GRCh38, 1-based): chr4:1,801,673, C>T. VCF-style: chr4-1801673-C-T. GRCh37 (hg19) VCF-style: chr4-1803400-C-T.
Other names: c.669C>T, p.Arg223= (NM_001163213.2, NM_001354809.2, NM_001354810.2 and 1 more transcripts).
Identifiers: ClinVar variation 759884 (VCV000759884.9), dbSNP rs749024125, ClinGen allele CA2809918.
Genomic context (GRCh38, chr4:1,801,673, plus strand): 5'-GGTGCAGCTGCGGCATCAGCAGTGGAGCCTGGTCATGGAAAGCGTGGTGCCCTCGGACCG[C>T]GGCAACTACACCTGCGTCGTGGAGAACAAGTTTGGCAGCATCCGGCAGACGTACACGCTG-3'
Protein context (NP_000133.1, residues 213-233): LVMESVVPSD[Arg223=]GNYTCVVENK

ClinVar aggregate classification (germline): Likely benign. Review status: criteria provided, single submitter (1 of 4 stars). 2 submissions from 2 submitters: Likely benign (1). 1 of the submissions does not count toward it. Last evaluated 2026-01-14.

Conditions:
FGFR3-related disorder. Also called: FGFR3-related disorders.

Allele frequency attached by ClinVar (database versions not stated): gnomAD 0.00001; ExAC 0.00004; TOPMed 0.00002.
gnomAD v4.1: 22 of 1,611,222 alleles (0.0014%); highest among the groups gnomAD compares: African/African-American, 0.0027%; no homozygotes.

Submissions (2):

Labcorp Genetics (formerly Invitae), Labcorp
Classification: Likely benign. Last evaluated: 2026-01-14. Review status: criteria provided, single submitter. Criteria: Invitae Variant Classification Sherloc (09022015). Collection method: clinical testing. Allele origin: germline.

PreventionGenetics, part of Exact Sciences
Classification: Likely benign for FGFR3-related condition. Last evaluated: 2021-01-28. Review status: no assertion criteria provided. Collection method: clinical testing. Allele origin: germline. Not counted in ClinVar's aggregate classification.
Comment: This variant is classified as likely benign based on ACMG/AMP sequence variant interpretation guidelines (Richards et al. 2015 PMID: 25741868, with internal and published modifications).